The following is an entry in ClinVar:

ClinVar aggregate classification (germline): Uncertain significance (1 of 4 stars; one submission).

Conditions:
Inborn genetic diseases. Identifiers: MedGen C0950123, MeSH D030342.

Submission:

Ambry Genetics
Classification: Uncertain significance for Inborn genetic diseases. Last evaluated: 2023-12-15. Review status: criteria provided, single submitter. Criteria: Ambry Variant Classification Scheme 2023. Collection method: clinical testing. Allele origin: germline.
Comment: The c.1436_1444delATGACACCA (p.N479_T481del) alteration is located in exon 11 (coding exon 11) of the LAMA5 gene. This alteration consists of an in-frame deletion of 9 nucleotides between nucleotide positions c.1436 and c.1444, resulting in the deletion of <NA> residues. Based on insufficient or conflicting evidence, the clinical significance of this alteration remains unclear.

NM_005560.6(LAMA5):c.1436_1444del (p.Asn479_Thr481del)

Gene: LAMA5 (laminin subunit alpha 5; minus strand). Cytogenetic location: 20q13.33.
Variant type: Deletion.
Coding change: c.1436_1444del on transcript NM_005560.6 (MANE Select); coding-DNA positions 1436 to 1444, 9 bases deleted (ATGACACCA; older notation c.1436_1444delATGACACCA).
Protein change: p.Asn479_Thr481del.
Molecular consequence: inframe deletion.
Genome position (GRCh38, 1-based): chr20:62,345,851-62,345,859, TGGTGTCAT deleted on the plus strand (ATGACACCA on the coding strand, the reverse complement: LAMA5 is on the minus strand); deleting any 9 consecutive bases within chr20:62,345,851-62,345,862 gives the same sequence; the c. name uses the placement nearest the transcript's 3' end. VCF-style (leftmost placement, unchanged base first): chr20-62345850-CTGGTGTCAT-C. GRCh37 (hg19) VCF-style: chr20-60920906-CTGGTGTCAT-C.
Identifiers: ClinVar variation 3117504 (VCV003117504.1), dbSNP rs2516204960, ClinGen allele CA2825002843.